The following is an entry in ClinVar:

NM_177550.5(SLC13A5):c.1575+28G>A

Gene: SLC13A5 (solute carrier family 13 member 5; minus strand). Cytogenetic location: 17p13.1.
Variant type: single nucleotide variant.
Coding change: c.1575+28G>A on transcript NM_177550.5 (MANE Select); 28 bases into the intron after coding-DNA position 1575, G replaced by A.
Molecular consequence: intron variant.
Genome position (GRCh38, 1-based): chr17:6,687,501, C>T on the plus strand (G>A on the coding strand, the complement: SLC13A5 is on the minus strand). VCF-style: chr17-6687501-C-T. GRCh37 (hg19) VCF-style: chr17-6590820-C-T.
Other names: c.1446+28G>A (NM_001284510.2); c.1524+28G>A (NM_001284509.2); c.1438-1163G>A (NM_001143838.3).
Identifiers: ClinVar variation 670104 (VCV000670104.2), dbSNP rs139509544, ClinGen allele CA8331335.

ClinVar aggregate classification (germline): Likely benign. Review status: criteria provided, multiple submitters, no conflicts (2 of 4 stars). 2 submissions from 2 submitters: Likely benign (2). Last evaluated 2018-06-14.

Allele frequency attached by ClinVar (database versions not stated): 1000 Genomes Project 30x 0.00921; gnomAD 0.00928 and 0.00960; TOPMed 0.00974; 1000 Genomes Project 0.01038; ESP Exome Variant Server 0.01238; ExAC 0.01291.
gnomAD v4.1: 21,700 of 1,612,642 alleles (1.3%); highest among the groups gnomAD compares: Middle Eastern, 2.9%; 235 homozygotes.

Submissions (2):

GeneDx
Classification: Likely benign. Last evaluated: 2018-06-14. Review status: criteria provided, single submitter. Criteria: GeneDx Variant Classification (06012015). Collection method: clinical testing. Allele origin: germline. Affected: yes.
Comment: This variant is considered likely benign or benign based on one or more of the following criteria: it is a conservative change, it occurs at a poorly conserved position in the protein, it is predicted to be benign by multiple in silico algorithms, and/or has population frequency not consistent with disease.

Breakthrough Genomics
Classification: Likely benign. Review status: criteria provided, single submitter. Criteria: ACMG Guidelines, 2015. Collection method: not provided. Allele origin: germline. Inheritance: Autosomal recessive inheritance. Affected: yes.